The following is an entry in ClinVar:

ClinVar aggregate classification (germline): Likely benign (1 of 4 stars; one submission).

Conditions:
PLXNA2-related disorder. Also called: PLXNA2-related condition.

gnomAD v4.1: 1 of 1,613,948 alleles (0.000062%); highest among the groups gnomAD compares: Non-Finnish European, 0.000085%; no homozygotes.

Submission:

PreventionGenetics, part of Exact Sciences
Classification: Likely benign for PLXNA2-related condition. Last evaluated: 2025-07-09. Review status: criteria provided, single submitter. Criteria: ACMG Guidelines, 2015. Collection method: clinical testing. Allele origin: germline.
Comment: This variant is classified as likely benign based on ACMG/AMP sequence variant interpretation guidelines (Richards et al. 2015 PMID: 25741868, with internal and published modifications).

NM_025179.4(PLXNA2):c.3639+10C>T

Gene: PLXNA2 (plexin A2; minus strand). Cytogenetic location: 1q32.2.
Variant type: single nucleotide variant.
Coding change: c.3639+10C>T on transcript NM_025179.4 (MANE Select); 10 bases into the intron after coding-DNA position 3639, C replaced by T.
Molecular consequence: intron variant.
Genome position (GRCh38, 1-based): chr1:208,045,057, G>A on the plus strand (C>T on the coding strand, the complement: PLXNA2 is on the minus strand). VCF-style: chr1-208045057-G-A. GRCh37 (hg19) VCF-style: chr1-208218402-G-A.
Identifiers: ClinVar variation 4997339 (VCV004997339.1).
Genomic context (GRCh38, chr1:208,045,057, plus strand): 5'-TTTCCTTAGGACAGATCACACATGCACCACGAGGCGGGAAGGAGGCATTACAGACGCAGG[G>A]CTCACTCACCATGACCTTGTGCTGCCCGGTGAGGTTGGGAGGCTCGCAGAGAAGCTGGGT-3'